The following is an entry in ClinVar:

ClinVar aggregate classification (germline): Uncertain significance (1 of 4 stars; one submission).

Submission:

Ambry Genetics
Classification: Uncertain significance. Last evaluated: 2023-07-13. Review status: criteria provided, single submitter. Criteria: Ambry Variant Classification Scheme 2023. Collection method: clinical testing. Allele origin: germline.
Comment: The p.H400R variant (also known as c.1199A>G), located in coding exon 9 of the RINT1 gene, results from an A to G substitution at nucleotide position 1199. The histidine at codon 400 is replaced by arginine, an amino acid with highly similar properties. This amino acid position is conserved. In addition, this alteration is predicted to be deleterious by in silico analysis. Since supporting evidence is limited at this time, the clinical significance of this alteration remains unclear.

NM_021930.6(RINT1):c.1199A>G (p.His400Arg)

Gene: RINT1 (RAD50 interactor 1; plus strand). Cytogenetic location: 7q22.3.
Variant type: single nucleotide variant.
Coding change: c.1199A>G on transcript NM_021930.6 (MANE Select); coding-DNA position 1199, A replaced by G.
Protein change: p.His400Arg; replaces histidine 400 with arginine.
Molecular consequence: missense variant. On other transcripts: non-coding transcript variant (1).
Genome position (GRCh38, 1-based): chr7:105,550,352, A>G. VCF-style: chr7-105550352-A-G. GRCh37 (hg19) VCF-style: chr7-105190799-A-G.
Other names: c.965A>G, p.His322Arg (NM_001346599.2); c.176A>G, p.His59Arg (NM_001346600.2, NM_001346603.2); c.275A>G, p.His92Arg (NM_001346601.2); short protein forms H400R, H322R, H92R, H59R.
Identifiers: ClinVar variation 2625524 (VCV002625524.2), dbSNP rs2485133133, ClinGen allele CA368809156.